The following is an entry in ClinVar:

NM_000256.3(MYBPC3):c.1386C>A (p.Asp462Glu)

Gene: MYBPC3 (myosin binding protein C3; minus strand). Cytogenetic location: 11p11.2.
Variant type: single nucleotide variant.
Coding change: c.1386C>A on transcript NM_000256.3 (MANE Select); coding-DNA position 1386, C replaced by A.
Protein change: p.Asp462Glu; replaces aspartic acid 462 with glutamic acid.
Molecular consequence: missense variant.
Genome position (GRCh38, 1-based): chr11:47,342,901, G>T on the plus strand (C>A on the coding strand, the complement: MYBPC3 is on the minus strand). VCF-style: chr11-47342901-G-T. GRCh37 (hg19) VCF-style: chr11-47364452-G-T.
Other names: c.1386C>A, p.Asp462Glu (LRG_386t1); short protein forms D462E.
Identifiers: ClinVar variation 568049 (VCV000568049.10), dbSNP rs1213818614, ClinGen allele CA380326182.

ClinVar aggregate classification (germline): Uncertain significance. Review status: criteria provided, multiple submitters, no conflicts (2 of 4 stars). 3 submissions from 3 submitters: Uncertain significance (3). Last evaluated 2025-08-11.

Conditions:
Hypertrophic cardiomyopathy 4. Also called: Familial hypertrophic cardiomyopathy 4. Identifiers: MedGen C1861862, MONDO:0007268, OMIM 115197.
Left ventricular noncompaction 10 (LVNC10). Identifiers: Orphanet 154, Orphanet 54260, MedGen C3715165, MONDO:0014163, OMIM 615396.
Hypertrophic cardiomyopathy. Also called: HYPERTROPHIC MYOCARDIOPATHY. Identifiers: Orphanet 217569, MedGen C0007194, MeSH D002312, MONDO:0005045, HP:0001639.

Allele frequency attached by ClinVar (database versions not stated): gnomAD exomes below 0.00001; TOPMed 0.00001.
gnomAD v4.1: 2 of 1,612,682 alleles (0.00012%); highest among the groups gnomAD compares: Non-Finnish European, 0.00017%; no homozygotes.

Submissions (3):

Labcorp Genetics (formerly Invitae), Labcorp
Classification: Uncertain significance for Hypertrophic cardiomyopathy. Last evaluated: 2025-08-11. Review status: criteria provided, single submitter. Criteria: Invitae Variant Classification Sherloc (09022015). Collection method: clinical testing. Allele origin: germline.
Comment: This sequence change replaces aspartic acid, which is acidic and polar, with glutamic acid, which is acidic and polar, at codon 462 of the MYBPC3 protein (p.Asp462Glu). This variant is present in population databases (no rsID available, gnomAD 0.0009%). This variant has not been reported in the literature in individuals affected with MYBPC3-related conditions. ClinVar contains an entry for this variant (Variation ID: 568049). An algorithm developed to predict the effect of missense changes on protein structure and function (PolyPhen-2) suggests that this variant is likely to be disruptive. In summary, the available evidence is currently insufficient to determine the role of this variant in disease. Therefore, it has been classified as a Variant of Uncertain Significance.

Fulgent Genetics
Classification: Uncertain significance for Hypertrophic cardiomyopathy 4; Left ventricular noncompaction 10. Last evaluated: 2021-10-18. Review status: criteria provided, single submitter. Criteria: ACMG Guidelines, 2015. Collection method: clinical testing. Allele origin: unknown.

AiLife Diagnostics
Classification: Uncertain significance. Last evaluated: 2021-10-12. Review status: criteria provided, single submitter. Criteria: ACMG Guidelines, 2015. Collection method: clinical testing. Allele origin: germline. Affected: yes. Observed: 1 variant allele.